The following is an entry in ClinVar:

NM_000091.5(COL4A3):c.4410dup (p.Phe1471fs)

Genes: COL4A3 (collagen type IV alpha 3 chain; plus strand), MFF-DT (MFF divergent transcript; minus strand). Cytogenetic location: 2q36.3.
Variant type: Duplication.
Coding change: c.4410dup on transcript NM_000091.5 (MANE Select); coding-DNA position 4410, one base duplicated (G; older notation c.4410dupG).
Protein change: p.Phe1471fs; shifts the reading frame from phenylalanine 1471.
Molecular consequence: frameshift variant.
Genome position (GRCh38, 1-based): chr2:227,307,867, G duplicated; the last of 3 consecutive G bases (chr2:227,307,865-227,307,867); duplicating any one gives the same sequence. VCF-style (leftmost placement, unchanged base first): chr2-227307864-T-TG. GRCh37 (hg19) VCF-style: chr2-228172580-T-TG.
Other names: short protein forms F1471fs.
Identifiers: ClinVar variation 5012271 (VCV005012271.1).

ClinVar aggregate classification (germline): Pathogenic (1 of 4 stars; one submission).

Conditions:
Alport syndrome. Also called: Hemorrhagic familial nephritis; Hemorrhagic hereditary nephritis; Congenital hereditary hematuria. Identifiers: Orphanet 63, MedGen C1567741, MONDO:0018965.

Submission:

Myriad Genetics, Inc.
Classification: Pathogenic for Alport syndrome. Last evaluated: 2023-09-27. Review status: criteria provided, single submitter. Criteria: Myriad Autosomal Dominant, Autosomal Recessive and X-Linked Classification Criteria (2023). Collection method: clinical testing. Allele origin: unknown.
Comment: NM_000091.4(COL4A3):c.4410dupG(F1471Vfs*39) is expected to be pathogenic in the context of Alport syndrome, COL4A3-related. This variant is predicted to lead to an abnormal or absent protein product due to the creation of a premature termination codon in COL4A3, a gene where loss-of-function variants are known to be pathogenic. Please note: this variant was assessed in the context of healthy population screening.